The following is an entry in ClinVar:

ClinVar aggregate classification (germline): Likely benign. Review status: criteria provided, multiple submitters, no conflicts (2 of 4 stars). 2 submissions from 2 submitters: Likely benign (2). Last evaluated 2025-12-29.

Conditions:
Dilated cardiomyopathy 1G (CMD1G). Identifiers: Orphanet 154, MedGen C1858763, MONDO:0011400, OMIM 604145.
Autosomal recessive limb-girdle muscular dystrophy type 2J (LGMDR10). Also called: Limb-girdle muscular dystrophy, type 2J; MUSCULAR DYSTROPHY, LIMB-GIRDLE, AUTOSOMAL RECESSIVE 10. Identifiers: Orphanet 140922, MedGen C1837342, MONDO:0012127, OMIM 608807.

Allele frequency attached by ClinVar (database versions not stated): TOPMed below 0.00001; gnomAD 0.00001.
gnomAD v4.1: 1 of 1,613,718 alleles (0.000062%); highest among the groups gnomAD compares: Non-Finnish European, 0.000085%; no homozygotes.

Submissions (2):

Labcorp Genetics (formerly Invitae), Labcorp
Classification: Likely benign for Dilated cardiomyopathy 1G; Autosomal recessive limb-girdle muscular dystrophy type 2J. Last evaluated: 2025-12-29. Review status: criteria provided, single submitter. Criteria: Invitae Variant Classification Sherloc (09022015). Collection method: clinical testing. Allele origin: germline.

CeGaT Center for Human Genetics Tuebingen
Classification: Likely benign. Last evaluated: 2025-02-01. Review status: criteria provided, single submitter. Criteria: CeGaT Center For Human Genetics Tuebingen Variant Classification Criteria Version 2. Collection method: clinical testing. Allele origin: germline. Affected: yes. Observed: 1 variant allele.
Comment: TTN: BP4, BP7

NM_001267550.2(TTN):c.3570G>A (p.Gln1190=)

Gene: TTN (titin; minus strand). Cytogenetic location: 2q31.2.
Variant type: single nucleotide variant.
Coding change: c.3570G>A on transcript NM_001267550.2 (MANE Select); coding-DNA position 3570, G replaced by A.
Protein change: p.Gln1190=; no amino-acid change (glutamine 1190 retained).
Molecular consequence: synonymous variant.
Genome position (GRCh38, 1-based): chr2:178,780,159, C>T on the plus strand (G>A on the coding strand, the complement: TTN is on the minus strand). VCF-style: chr2-178780159-C-T. GRCh37 (hg19) VCF-style: chr2-179644886-C-T.
Other names: c.3570G>A, p.Gln1190= (NM_001256850.1, NM_133378.4, NM_133379.5); c.3432G>A, p.Gln1144= (NM_003319.4, NM_133432.3, NM_133437.4).
Identifiers: ClinVar variation 1631232 (VCV001631232.23), dbSNP rs2092636085, ClinGen allele CA430109974.